The following is an entry in ClinVar:

ClinVar aggregate classification (germline): Uncertain significance (1 of 4 stars; one submission).

Submission:

Greenwood Genetic Center Diagnostic Laboratories, Greenwood Genetic Center
Classification: Uncertain significance. Last evaluated: 2025-03-27. Review status: criteria provided, single submitter. Criteria: ACMG Guidelines, 2015. Collection method: clinical testing. Allele origin: germline.
Comment: Gene of Uncertain Significance

NM_014215.3(INSRR):c.3409A>T (p.Thr1137Ser)

Genes: INSRR (insulin receptor related receptor; minus strand), NTRK1 (neurotrophic receptor tyrosine kinase 1; plus strand). Cytogenetic location: 1q23.1.
Variant type: single nucleotide variant.
Coding change: c.3409A>T on transcript NM_014215.3 (MANE Select); coding-DNA position 3409, A replaced by T.
Protein change: p.Thr1137Ser; replaces threonine 1137 with serine.
Molecular consequence: missense variant. On other transcripts: intron variant (1).
Genome position (GRCh38, 1-based): chr1:156,841,783, T>A on the plus strand (A>T on the coding strand, the complement: INSRR is on the minus strand). VCF-style: chr1-156841783-T-A. GRCh37 (hg19) VCF-style: chr1-156811575-T-A.
Other names: c.10-298T>A (NM_001007792.1); short protein forms T1137S.
Identifiers: ClinVar variation 4851733 (VCV004851733.1).